The following is an entry in ClinVar:

ClinVar aggregate classification (somatic clinical impact): Tier II - Potential (1 of 4 stars; one submission).

Conditions:
Ewing sarcoma (ES). Also called: Ewing's sarcoma; Ewing's tumor; Ewing tumor. Identifiers: Orphanet 2677, Orphanet 319, MedGen C0553580, MONDO:0012817, OMIM 612219, HP:0012254.

Submission:

Institute for Genomic Medicine (IGM) Clinical Laboratory, Nationwide Children's Hospital
Classification: Tier II - Potential for Ewing sarcoma. Assertion type: diagnostic. Clinical significance: supports diagnosis. Last evaluated: 2024-08-20. Review status: criteria provided, single submitter. Criteria: AMP/ASCO/CAP Guidelines, 2017. Collection method: clinical testing. Allele origin: somatic. Affected: yes.
Comment: Variant has Tier II (potential) clinical significance as a diagnostic inclusion criterion in Ewing sarcoma, based on the following evidence: 1) Documented in one or more cancer databases (e.g., St. Jude Pecan, COSMIC, CIViC, OncoKB). 2) Information in the literature supports potential biologic effect of variant (PMIDs: 24746821, 21868628, 29440396). 3) Assists in diagnosis alone or along with other biomarkers based on small studies or few case reports (Evidence Level D; PMIDs: 24746821, 26018969, 28771672, 26822237).

Literature cited by the submitters: PubMed 24746821; PubMed 21868628; PubMed 29440396; PubMed 26018969; PubMed 28771672; PubMed 26822237.

NM_005120.3(MED12):c.107T>C (p.Leu36Pro)

Gene: MED12 (mediator complex subunit 12; plus strand). Cytogenetic location: Xq13.1.
Variant type: single nucleotide variant.
Coding change: c.107T>C on transcript NM_005120.3 (MANE Select); coding-DNA position 107, T replaced by C.
Protein change: p.Leu36Pro; replaces leucine 36 with proline.
Molecular consequence: missense variant.
Genome position (GRCh38, 1-based): chrX:71,119,380, T>C. VCF-style: chrX-71119380-T-C. GRCh37 (hg19) VCF-style: chrX-70339230-T-C.
Other names: short protein forms L36P.
Identifiers: ClinVar variation 4530449 (VCV004530449.1).